The following is an entry in ClinVar:

NM_018943.3(TUBA8):c.1078C>T (p.Pro360Ser)

Gene: TUBA8 (tubulin alpha 8; plus strand). Cytogenetic location: 22q11.21.
Variant type: single nucleotide variant.
Coding change: c.1078C>T on transcript NM_018943.3 (MANE Select); coding-DNA position 1078, C replaced by T.
Protein change: p.Pro360Ser; replaces proline 360 with serine.
Molecular consequence: missense variant.
Genome position (GRCh38, 1-based): chr22:18,130,864, C>T. VCF-style: chr22-18130864-C-T. GRCh37 (hg19) VCF-style: chr22-18613631-C-T.
Other names: c.880C>T, p.Pro294Ser (NM_001193414.2); short protein forms P294S, P360S.
Identifiers: ClinVar variation 3612968 (VCV003612968.2).

ClinVar aggregate classification (germline): Uncertain significance (1 of 4 stars; one submission).

gnomAD v4.1: 1 of 1,613,790 alleles (0.000062%); highest among the groups gnomAD compares: Non-Finnish European, 0.000085%; no homozygotes.

Submission:

Labcorp Genetics (formerly Invitae), Labcorp
Classification: Uncertain significance. Last evaluated: 2024-11-26. Review status: criteria provided, single submitter. Criteria: Invitae Variant Classification Sherloc (09022015). Collection method: clinical testing. Allele origin: germline.
Comment: This sequence change replaces proline, which is neutral and non-polar, with serine, which is neutral and polar, at codon 360 of the TUBA8 protein (p.Pro360Ser). This variant is not present in population databases (gnomAD no frequency). This variant has not been reported in the literature in individuals affected with TUBA8-related conditions. Invitae Evidence Modeling of protein sequence and biophysical properties (such as structural, functional, and spatial information, amino acid conservation, physicochemical variation, residue mobility, and thermodynamic stability) indicates that this missense variant is expected to disrupt TUBA8 protein function with a positive predictive value of 80%. In summary, the available evidence is currently insufficient to determine the role of this variant in disease. Therefore, it has been classified as a Variant of Uncertain Significance.